The following is an entry in ClinVar:

NM_001122752.2(SERPINI1):c.340G>A (p.Val114Met)

Gene: SERPINI1 (serpin family I member 1; plus strand). Cytogenetic location: 3q26.1.
Variant type: single nucleotide variant.
Coding change: c.340G>A on transcript NM_001122752.2 (MANE Select); coding-DNA position 340, G replaced by A.
Protein change: p.Val114Met; replaces valine 114 with methionine.
Molecular consequence: missense variant.
Genome position (GRCh38, 1-based): chr3:167,790,461, G>A. VCF-style: chr3-167790461-G-A. GRCh37 (hg19) VCF-style: chr3-167508249-G-A.
Other names: c.340G>A, p.Val114Met (NM_005025.5); short protein forms V114M.
Identifiers: ClinVar variation 466616 (VCV000466616.15), dbSNP rs61735308, ClinGen allele CA2694784.

ClinVar aggregate classification (germline): Likely benign. Review status: criteria provided, multiple submitters, no conflicts (2 of 4 stars). 3 submissions from 3 submitters: Likely benign (2). 1 of the submissions does not count toward it. Last evaluated 2025-12-30.

Conditions:
Familial encephalopathy with neuroserpin inclusion bodies. Also called: ENCEPHALOPATHY, FAMILIAL, WITH COLLINS BODIES. Identifiers: Orphanet 85110, MedGen C1858680, MONDO:0011412, OMIM 604218.
SERPINI1-related disorder. Also called: SERPINI1-related condition.
Inborn genetic diseases. Identifiers: MedGen C0950123, MeSH D030342.

Allele frequency attached by ClinVar (database versions not stated): 1000 Genomes Project 30x 0.00016; 1000 Genomes Project 0.00020; TOPMed 0.00037; ESP Exome Variant Server 0.00038; gnomAD 0.00051.
gnomAD v4.1: 125 of 1,614,008 alleles (0.0077%); highest among the groups gnomAD compares: African/African-American, 0.14%; no homozygotes.

Submissions (3):

Labcorp Genetics (formerly Invitae), Labcorp
Classification: Likely benign for Familial encephalopathy with neuroserpin inclusion bodies. Last evaluated: 2025-12-30. Review status: criteria provided, single submitter. Criteria: Invitae Variant Classification Sherloc (09022015). Collection method: clinical testing. Allele origin: germline.

Ambry Genetics
Classification: Likely benign for Inborn genetic diseases. Last evaluated: 2022-04-13. Review status: criteria provided, single submitter. Criteria: Ambry Variant Classification Scheme 2023. Collection method: clinical testing. Allele origin: germline.

PreventionGenetics, part of Exact Sciences
Classification: Likely benign for SERPINI1-related condition. Last evaluated: 2023-02-27. Review status: no assertion criteria provided. Collection method: clinical testing. Allele origin: germline. Not counted in ClinVar's aggregate classification.
Comment: This variant is classified as likely benign based on ACMG/AMP sequence variant interpretation guidelines (Richards et al. 2015 PMID: 25741868, with internal and published modifications).